The following is an entry in ClinVar:

NM_018127.7(ELAC2):c.2245C>T (p.His749Tyr)

Gene: ELAC2 (elaC ribonuclease Z 2; minus strand). Cytogenetic location: 17p12.
Variant type: single nucleotide variant.
Coding change: c.2245C>T on transcript NM_018127.7 (MANE Select); coding-DNA position 2245, C replaced by T.
Protein change: p.His749Tyr; replaces histidine 749 with tyrosine.
Molecular consequence: missense variant.
Genome position (GRCh38, 1-based): chr17:12,993,695, G>A on the plus strand (C>T on the coding strand, the complement: ELAC2 is on the minus strand). VCF-style: chr17-12993695-G-A. GRCh37 (hg19) VCF-style: chr17-12897012-G-A.
Other names: c.2125C>T, p.His709Tyr (NM_001165962.2); c.2242C>T, p.His748Tyr (NM_173717.2); short protein forms H748Y, H709Y, H749Y.
Identifiers: ClinVar variation 858177 (VCV000858177.5), dbSNP rs762471494, ClinGen allele CA8400880.
Genomic context (GRCh38, chr17:12,993,695, plus strand): 5'-TCCTGTCTCCCTGCCCCGTCCCCGCCCTGTGCTGTCCGTGTGACATACAGACCTTCATGT[G>A]GTCAAAGGCAACTCCCACTTTCTCGCTGAAGTTGGGGCTGAAGAGGGGGACCTTGGCATA-3'
Protein context (NP_060597.4, residues 739-759): FSEKVGVAFD[His749Tyr]MKVCFGDFPT

ClinVar aggregate classification (germline): Conflicting classifications of pathogenicity. Review status: criteria provided, conflicting classifications (1 of 4 stars). 3 submissions from 3 submitters: Likely pathogenic (1); Uncertain significance (2). Last evaluated 2023-07-12.

Conditions:
Combined oxidative phosphorylation defect type 17. Also called: Combined oxidative phosphorylation deficiency 17. Identifiers: Orphanet 369913, MedGen C3809526, MONDO:0014190, OMIM 615440.
ELAC2-related disorder. Also called: ELAC2-related condition.
Prostate cancer, hereditary, 2 (HPC2). Identifiers: Orphanet 1331, MedGen C3539120, MONDO:0013872, OMIM 614731.

Allele frequency attached by ClinVar (database versions not stated): ExAC 0.00001; gnomAD exomes 0.00001; TOPMed 0.00005; gnomAD 0.00007.
gnomAD v4.1: 22 of 1,614,036 alleles (0.0014%); highest among the groups gnomAD compares: African/African-American, 0.02%; no homozygotes.

Submissions (3):

PreventionGenetics, part of Exact Sciences
Classification: Likely pathogenic for ELAC2-related condition. Last evaluated: 2023-07-12. Review status: criteria provided, single submitter. Criteria: ACMG Guidelines, 2015. Collection method: clinical testing. Allele origin: germline.
Comment: The ELAC2 c.2245C>T variant is predicted to result in the amino acid substitution p.His749Tyr. This variant was reported in the compound heterozygous state along with a loss-of-function variant in two individuals with hypertrophic cardiomyopathy or suspected mitochondrial disorders (Patient #P12, Saoura et al. 2019. PubMed ID: 31045291; Schon et al. 2021. PubMed ID: 34732400). In vitro functional studies showed that this variant results in altered protein function and RNA samples from the affected patient showed increased amounts of 3′ end unprocessed mt-tRNA precursors at multiple cleavage sites (Table 3 and Figure S2, Saoura et al. 2019. PubMed ID: 31045291). This variant is reported in 0.016% of alleles in individuals of African descent in gnomAD. This variant is interpreted as likely pathogenic.

Labcorp Genetics (formerly Invitae), Labcorp
Classification: Uncertain significance for Combined oxidative phosphorylation defect type 17. Last evaluated: 2022-05-12. Review status: criteria provided, single submitter. Criteria: Invitae Variant Classification Sherloc (09022015). Collection method: clinical testing. Allele origin: germline.
Comment: This sequence change replaces histidine, which is basic and polar, with tyrosine, which is neutral and polar, at codon 749 of the ELAC2 protein (p.His749Tyr). This variant is present in population databases (rs762471494, gnomAD 0.02%). This missense change has been observed in individual(s) with clinical features of ELAC2-related conditions (PMID: 31045291). ClinVar contains an entry for this variant (Variation ID: 858177). Algorithms developed to predict the effect of missense changes on protein structure and function are either unavailable or do not agree on the potential impact of this missense change (SIFT: "Tolerated"; PolyPhen-2: "Probably Damaging"; Align-GVGD: "Class C0"). In summary, the available evidence is currently insufficient to determine the role of this variant in disease. Therefore, it has been classified as a Variant of Uncertain Significance.

Fulgent Genetics
Classification: Uncertain significance for Prostate cancer, hereditary, 2; Combined oxidative phosphorylation defect type 17. Last evaluated: 2021-07-09. Review status: criteria provided, single submitter. Criteria: ACMG Guidelines, 2015. Collection method: clinical testing. Allele origin: unknown.

Literature cited by the submitters: PubMed 31045291 (cited by Labcorp Genetics (formerly Invitae), Labcorp).